The following is an entry in ClinVar:

ClinVar aggregate classification (germline): Conflicting classifications of pathogenicity. Review status: criteria provided, conflicting classifications (1 of 4 stars). 5 submissions from 5 submitters: Pathogenic (1); Likely pathogenic (1); Uncertain significance (3). Last evaluated 2026-08-13.

Conditions:
OFD1-related disorder. Also called: OFD1-related condition.
Orofaciodigital syndrome I (OFD1). Also called: Oral-Facial-Digital Syndrome Type I; Papillon-Leage and Psaume Syndrome; OFDS I. Identifiers: Orphanet 2750, MedGen C1510460, MONDO:0010702, OMIM 311200.
Joubert syndrome. Also called: Familial aplasia of the vermis; JOUBERT-BOLTSHAUSER SYNDROME. Identifiers: Orphanet 475, MedGen C5979921, MONDO:0018772.
Joubert syndrome 10 (JBTS10). Identifiers: Orphanet 2754, MedGen C2749019, MONDO:0010431, OMIM 300804.

Allele frequency attached by ClinVar (database versions not stated): TOPMed below 0.00001; gnomAD 0.00001; gnomAD exomes 0.00002.
gnomAD v4.1: 17 of 1,209,359 alleles (0.0014%); highest among the groups gnomAD compares: Non-Finnish European, 0.0019%; no homozygotes.

Submissions (5):

GeneDx
Classification: Uncertain significance. Last evaluated: 2026-08-13. Review status: criteria provided, single submitter. Criteria: GeneDx Variant Classification Process June 2021. Collection method: clinical testing. Allele origin: germline.
Comment: Identified in a patient with Joubert syndrome in published literature (PMID: 35112477, 28125082, 26092869); In silico analysis supports that this missense variant has a deleterious effect on protein structure/function; This variant is associated with the following publications: (PMID: 28125082, 26092869, 36704348, 35112477)

Labcorp Genetics (formerly Invitae), Labcorp
Classification: Uncertain significance for Orofaciodigital syndrome I; Joubert syndrome. Last evaluated: 2025-04-10. Review status: criteria provided, single submitter. Criteria: Invitae Variant Classification Sherloc (09022015). Collection method: clinical testing. Allele origin: germline.
Comment: This sequence change replaces histidine, which is basic and polar, with arginine, which is basic and polar, at codon 50 of the OFD1 protein (p.His50Arg). This variant is not present in population databases (gnomAD no frequency). This missense change has been observed in individual(s) with Joubert syndrome (PMID: 26092869, 28125082, 36704348). ClinVar contains an entry for this variant (Variation ID: 217687). Invitae Evidence Modeling of protein sequence and biophysical properties (such as structural, functional, and spatial information, amino acid conservation, physicochemical variation, residue mobility, and thermodynamic stability) indicates that this missense variant is not expected to disrupt OFD1 protein function with a negative predictive value of 80%. In summary, the available evidence is currently insufficient to determine the role of this variant in disease. Therefore, it has been classified as a Variant of Uncertain Significance.

Mayo Clinic Laboratories, Mayo Clinic
Classification: Uncertain significance. Last evaluated: 2023-07-12. Review status: criteria provided, single submitter. Criteria: ACMG Guidelines, 2015. Collection method: clinical testing. Allele origin: germline. Observed: 1 variant allele.
Comment: PM2_moderate

Blueprint Genetics
Classification: Likely pathogenic for OFD1-related disorders. Last evaluated: 2017-08-02. Review status: criteria provided, single submitter. Criteria: ACMG Guidelines, 2015. Collection method: clinical testing. Allele origin: germline. Affected: yes. Observed: 1 variant allele.

UW Hindbrain Malformation Research Program, University of Washington
Classification: Pathogenic for Joubert syndrome 10. Last evaluated: 2015-02-23. Review status: criteria provided, single submitter. Criteria: Bachmann-Gagescu et al. (J Med Genet. 2015). Collection method: research. Allele origin: unknown. Affected: yes.

Literature cited by the submitters: PubMed 26092869 (cited by Labcorp Genetics (formerly Invitae), Labcorp and Mayo Clinic Laboratories, Mayo Clinic); PubMed 28125082 (cited by Labcorp Genetics (formerly Invitae), Labcorp and Mayo Clinic Laboratories, Mayo Clinic); PubMed 36704348 (cited by Labcorp Genetics (formerly Invitae), Labcorp and Mayo Clinic Laboratories, Mayo Clinic); PubMed 35112477 (cited by Mayo Clinic Laboratories, Mayo Clinic).

NM_003611.3(OFD1):c.149A>G (p.His50Arg)

Gene: OFD1 (OFD1 centriole and centriolar satellite protein; plus strand). Cytogenetic location: Xp22.2.
Variant type: single nucleotide variant.
Coding change: c.149A>G on transcript NM_003611.3 (MANE Select); coding-DNA position 149, A replaced by G.
Protein change: p.His50Arg; replaces histidine 50 with arginine.
Molecular consequence: missense variant. On other transcripts: 5 prime UTR variant (1).
Genome position (GRCh38, 1-based): chrX:13,736,515, A>G. VCF-style: chrX-13736515-A-G. GRCh37 (hg19) VCF-style: chrX-13754634-A-G.
Other names: p.His50Arg; c.149A>G, p.His50Arg (NM_001330209.2); c.-397A>G (NM_001330210.2); short protein forms H50R.
Identifiers: ClinVar variation 217687 (VCV000217687.16), dbSNP rs863225213, ClinGen allele CA279419.